The following is an entry in ClinVar:

NM_000179.3(MSH6):c.3864_3872del (p.Phe1289_Lys1291del)

Gene: MSH6 (mutS homolog 6; plus strand). Cytogenetic location: 2p16.3.
Variant type: Deletion.
Coding change: c.3864_3872del on transcript NM_000179.3 (MANE Select); coding-DNA positions 3864 to 3872, 9 bases deleted (ATTCATTAA; older notation c.3864_3872delATTCATTAA).
Protein change: p.Phe1289_Lys1291del.
Molecular consequence: inframe deletion.
Genome position (GRCh38, 1-based): chr2:47,806,514-47,806,522, ATTCATTAA deleted; deleting any 9 consecutive bases within chr2:47,806,511-47,806,522 gives the same sequence; the c. name uses the placement nearest the transcript's 3' end. VCF-style (leftmost placement, unchanged base first): chr2-47806510-ATAAATTCAT-A. GRCh37 (hg19) VCF-style: chr2-48033649-ATAAATTCAT-A.
Other names: c.3864_3872delATTCATTAA (NM_000179.2); c.3474_3482del, p.Phe1159_Lys1161del (NM_001281492.2); c.2958_2966del, p.Phe987_Lys989del (NM_001281493.2, NM_001281494.2).
Identifiers: ClinVar variation 486913 (VCV000486913.5), dbSNP rs1553333481, ClinGen allele CA658655758.

ClinVar aggregate classification (germline): Uncertain significance (1 of 4 stars; one submission).

Conditions:
Hereditary cancer-predisposing syndrome. Also called: Tumor predisposition; Hereditary Cancer Syndrome; Hereditary neoplastic syndrome; Neoplastic Syndromes, Hereditary. Identifiers: Orphanet 140162, MedGen C0027672, MeSH D009386, MONDO:0015356.

Submission:

Ambry Genetics
Classification: Uncertain significance for Hereditary cancer-predisposing syndrome. Last evaluated: 2017-08-03. Review status: criteria provided, single submitter. Criteria: Ambry Variant Classification Scheme 2023. Collection method: clinical testing. Allele origin: germline.
Comment: The c.3864_3872delATTCATTAA variant (also known as p.F1289_K1291del) is located in coding exon 9 of the MSH6 gene. This variant results from an in-frame ATTCATTAA deletion at nucleotide positions 3864 to 3872. This results in the in-frame deletion of a phenylalanine, isoleucine, and lysine at codons 1289, 1290, and 1291, respectively. These amino acid positions are well conserved in available vertebrate species. Since supporting evidence is limited at this time, the clinical significance of this alteration remains unclear.